The following is an entry in ClinVar:

ClinVar aggregate classification (germline): Likely pathogenic (1 of 4 stars; one submission).

Conditions:
Primary dilated cardiomyopathy (DCM). Also called: Dilated Cardiomyopathy. Identifiers: Orphanet 217604, MedGen C0007193, MeSH D002311, MONDO:0005021, HP:0001644. Inheritance: Various modes of inheritance.

Submission:

Lildballe Lab, Aarhus University Hospital
Classification: Likely pathogenic for dilated cardiomyopathy. Last evaluated: 2024-03-01. Review status: criteria provided, single submitter. Criteria: ACMG Guidelines, 2015. Collection method: research. Allele origin: germline. Affected: yes.
Comment: PVS1(vs), PM2(sup)

Literature cited by the submitters: PubMed 25741923; PubMed 39481677.

NM_001267550.2(TTN):c.53294del (p.Pro17765fs)

Genes: TTN (titin; minus strand), TTN-AS1 (TTN antisense RNA 1; plus strand), LOC126806425 (BRD4-independent group 4 enhancer GRCh37_chr2:179471933-179473132; plus strand). Cytogenetic location: 2q31.2.
Variant type: Deletion.
Coding change: c.53294del on transcript NM_001267550.2 (MANE Select); coding-DNA position 53294, one base deleted (C; older notation c.53294delC).
Protein change: p.Pro17765fs; shifts the reading frame from proline 17765.
Molecular consequence: frameshift variant.
Genome position (GRCh38, 1-based): chr2:178,607,308, G deleted on the plus strand (C on the coding strand, the reverse complement: TTN is on the minus strand); the first of 3 consecutive G bases (chr2:178,607,308-178,607,310); deleting any one gives the same sequence. VCF-style (leftmost placement, unchanged base first): chr2-178607307-AG-A. GRCh37 (hg19) VCF-style: chr2-179472034-AG-A.
Other names: c.48371del, p.Pro16124fs (NM_001256850.1); c.26099del, p.Pro8700fs (NM_003319.4); c.45590del, p.Pro15197fs (NM_133378.4); c.26474del, p.Pro8825fs (NM_133432.3); c.26675del, p.Pro8892fs (NM_133437.4); c.26099delC (NM_003319.4); short protein forms P8700fs, P8825fs, P8892fs, P15197fs, P16124fs, P17765fs.
Identifiers: ClinVar variation 3338345 (VCV003338345.1).
Genomic context (GRCh38, chr2:178,607,307, plus strand): 5'-CCAGTTAAGTAGACACATTTTTCTGTTTGTTACAACAGGTTTTAAGTCAAGAACTGGACC[AG>A]GGACATCTGAAAACAAAACAAAGCCAAAAATCAATGTAATAAGATAGTATCACTTGGGAA-3'